The following is an entry in ClinVar:

ClinVar aggregate classification (germline): Uncertain significance (1 of 4 stars; one submission).

Conditions:
Developmental and epileptic encephalopathy, 36 (DEE36). Also called: ALG13-CDG; Epileptic encephalopathy, early infantile, 36; Congenital disorder of glycosylation, type Is. Identifiers: Orphanet 324422, MedGen C4317295, MONDO:0010472, OMIM 300884.

Submission:

Labcorp Genetics (formerly Invitae), Labcorp
Classification: Uncertain significance for Developmental and epileptic encephalopathy, 36. Last evaluated: 2025-06-24. Review status: criteria provided, single submitter. Criteria: Invitae Variant Classification Sherloc (09022015). Collection method: clinical testing. Allele origin: germline.
Comment: This sequence change replaces glutamine, which is neutral and polar, with arginine, which is basic and polar, at codon 705 of the ALG13 protein (p.Gln705Arg). This variant is not present in population databases (gnomAD no frequency). This variant has not been reported in the literature in individuals affected with ALG13-related conditions. Invitae Evidence Modeling of protein sequence and biophysical properties (such as structural, functional, and spatial information, amino acid conservation, physicochemical variation, residue mobility, and thermodynamic stability) has been performed for this missense variant. However, the output from this modeling did not meet the statistical confidence thresholds required to predict the impact of this variant on ALG13 protein function. In summary, the available evidence is currently insufficient to determine the role of this variant in disease. Therefore, it has been classified as a Variant of Uncertain Significance.

NM_001099922.3(ALG13):c.2114A>G (p.Gln705Arg)

Gene: ALG13 (ALG13 UDP-N-acetylglucosaminyltransferase subunit; plus strand). Cytogenetic location: Xq23.
Variant type: single nucleotide variant.
Coding change: c.2114A>G on transcript NM_001099922.3 (MANE Select); coding-DNA position 2114, A replaced by G.
Protein change: p.Gln705Arg; replaces glutamine 705 with arginine.
Molecular consequence: missense variant. On other transcripts: non-coding transcript variant (1).
Genome position (GRCh38, 1-based): chrX:111,727,637, A>G. VCF-style: chrX-111727637-A-G. GRCh37 (hg19) VCF-style: chrX-110970865-A-G.
Other names: c.1802A>G, p.Gln601Arg (NM_001257230.2, NM_001257234.2, NM_001257237.2); c.1880A>G, p.Gln627Arg (NM_001257231.2); c.2114A>G, p.Gln705Arg (NM_001324292.2); c.1628A>G, p.Gln543Arg (NM_001324293.1); short protein forms Q543R, Q627R, Q601R, Q705R.
Identifiers: ClinVar variation 4775128 (VCV004775128.1).
Genomic context (GRCh38, chrX:111,727,637, plus strand): 5'-CATCATTTTTACTTTTTTATTATTTGAACCACTTAAGTTCATTTAGACGTAGTCACCGCC[A>G]GATGAGTTGTGTGAATAAGGAGTCCCAGTATGGATTTACCCCAGGGAATGGACAGATGCC-3'
Protein context (NP_001093392.1, residues 695-715): RSRSFRRSHR[Gln705Arg]MSCVNKESQY